The following is an entry in ClinVar:

ClinVar aggregate classification (germline): Conflicting classifications of pathogenicity. Review status: criteria provided, conflicting classifications (1 of 4 stars). 2 submissions from 2 submitters: Pathogenic (1); Uncertain significance (1). Last evaluated 2025-03-10.

Conditions:
Cardiovascular phenotype. Identifiers: MedGen CN230736.
Charcot-Marie-Tooth disease type 2. Also called: Charcot-Marie-Tooth type 2. Identifiers: Orphanet 64746, MedGen C0270914, MONDO:0018993.

Submissions (2):

Ambry Genetics
Classification: Pathogenic for Cardiovascular phenotype. Last evaluated: 2025-03-10. Review status: criteria provided, single submitter. Criteria: Ambry Variant Classification Scheme 2023. Collection method: clinical testing. Allele origin: germline.
Comment: The p.Q353R pathogenic mutation (also known as c.1058A>G), located in coding exon 6 of the LMNA gene, results from an A to G substitution at nucleotide position 1058. The glutamine at codon 353 is replaced by arginine, an amino acid with highly similar properties. This variant was reported in individual(s) with features consistent with laminopathies, including dilated cardiomyopathy, cardiac conduction disease, and dysrhythmia (Astejada MN et al. Acta Myol, 2007 Dec;26:159-64; Nishiuchi S et al. Circ Cardiovasc Genet, 2017 Dec;10; Nakajima K et al. Circ J, 2018 Oct;82:2707-2714; Yamada S et al. Sci Adv, 2023 Apr;9:eade7047). An animal model expressing this variant exhibited phenotype(s) consistent with dilated cardiomyopathy (Yamada S et al. Sci Adv, 2023 Apr;9:eade7047). This amino acid position is well conserved in available vertebrate species. In addition, this alteration is predicted to be deleterious by in silico analysis. This variant is considered to be rare based on population cohorts in the Genome Aggregation Database (gnomAD). Based on the supporting evidence, this variant is interpreted as a disease-causing mutation.

Labcorp Genetics (formerly Invitae), Labcorp
Classification: Uncertain significance for Charcot-Marie-Tooth disease type 2. Last evaluated: 2024-10-10. Review status: criteria provided, single submitter. Criteria: Invitae Variant Classification Sherloc (09022015). Collection method: clinical testing. Allele origin: germline.
Comment: This sequence change replaces glutamine, which is neutral and polar, with arginine, which is basic and polar, at codon 353 of the LMNA protein (p.Gln353Arg). This variant is not present in population databases (gnomAD no frequency). This missense change has been observed in individual(s) with clinical features of LMNA-related conditions (PMID: 18646565, 29237675, 30078822, 37058558; internal data). Invitae Evidence Modeling of protein sequence and biophysical properties (such as structural, functional, and spatial information, amino acid conservation, physicochemical variation, residue mobility, and thermodynamic stability) indicates that this missense variant is expected to disrupt LMNA protein function with a positive predictive value of 95%. Experimental studies have shown that this missense change affects LMNA function (PMID: 34862408, 37058558). This variant disrupts the p.Gln353 amino acid residue in LMNA. Other variant(s) that disrupt this residue have been observed in individuals with LMNA-related conditions (PMID: 20127487), which suggests that this may be a clinically significant amino acid residue. In summary, the available evidence is currently insufficient to determine the role of this variant in disease. Therefore, it has been classified as a Variant of Uncertain Significance.

Literature cited by the submitters: PubMed 18646565 (cited by Ambry Genetics and Labcorp Genetics (formerly Invitae), Labcorp); PubMed 29237675 (cited by Ambry Genetics and Labcorp Genetics (formerly Invitae), Labcorp); PubMed 30078822 (cited by Ambry Genetics and Labcorp Genetics (formerly Invitae), Labcorp); PubMed 37058558 (cited by Ambry Genetics and Labcorp Genetics (formerly Invitae), Labcorp); PubMed 34862408 (cited by Labcorp Genetics (formerly Invitae), Labcorp); PubMed 20127487 (cited by Labcorp Genetics (formerly Invitae), Labcorp).

NM_170707.4(LMNA):c.1058A>G (p.Gln353Arg)

Gene: LMNA (lamin A/C; plus strand). Cytogenetic location: 1q22.
Variant type: single nucleotide variant.
Coding change: c.1058A>G on transcript NM_170707.4 (MANE Select); coding-DNA position 1058, A replaced by G.
Protein change: p.Gln353Arg; replaces glutamine 353 with arginine.
Molecular consequence: missense variant.
Genome position (GRCh38, 1-based): chr1:156,136,022, A>G. VCF-style: chr1-156136022-A-G. GRCh37 (hg19) VCF-style: chr1-156105813-A-G.
Other names: c.722A>G, p.Gln241Arg (NM_001257374.3, NM_001406989.1, NM_001406998.1); c.815A>G, p.Gln272Arg (NM_001282624.2, NM_001406986.1, NM_001406987.1); c.1058A>G, p.Gln353Arg (NM_001282625.2, NM_001282626.2, NM_001406983.1 and 6 more transcripts); c.761A>G, p.Gln254Arg (NM_001406988.1); c.500A>G, p.Gln167Arg (NM_001406990.1, NM_001406993.1, NM_001406995.1 and 4 more transcripts); c.434A>G, p.Gln145Arg (NM_001406994.1, NM_001406999.1, NM_001407000.1 and 1 more transcripts); short protein forms Q145R, Q272R, Q353R, Q241R, Q254R, Q167R.
Identifiers: ClinVar variation 3720250 (VCV003720250.3).